The following is an entry in ClinVar:

NM_002875.5(RAD51):c.818T>C (p.Val273Ala)

Gene: RAD51 (RAD51 recombinase; plus strand). Cytogenetic location: 15q15.1.
Variant type: single nucleotide variant.
Coding change: c.818T>C on transcript NM_002875.5 (MANE Select); coding-DNA position 818, T replaced by C.
Protein change: p.Val273Ala; replaces valine 273 with alanine.
Molecular consequence: missense variant. On other transcripts: intron variant (1).
Genome position (GRCh38, 1-based): chr15:40,729,896, T>C. VCF-style: chr15-40729896-T-C. GRCh37 (hg19) VCF-style: chr15-41022094-T-C.
Other names: c.821T>C, p.Val274Ala (NM_001164269.2, NM_133487.4); c.774+262T>C (NM_001164270.2); short protein forms V274A, V273A.
Identifiers: ClinVar variation 1762351 (VCV001762351.2), dbSNP rs1006483116, ClinGen allele CA268850759.

ClinVar aggregate classification (germline): Uncertain significance (1 of 4 stars; one submission).

Conditions:
Inborn genetic diseases. Identifiers: MedGen C0950123, MeSH D030342.

Allele frequency attached by ClinVar (database versions not stated): TOPMed below 0.00001; gnomAD 0.00001.
gnomAD v4.1: 1 of 1,614,030 alleles (0.000062%); highest among the groups gnomAD compares: African/African-American, 0.0013%; no homozygotes.

Submission:

Ambry Genetics
Classification: Uncertain significance for Inborn genetic diseases. Last evaluated: 2021-11-14. Review status: criteria provided, single submitter. Criteria: Ambry Variant Classification Scheme 2023. Collection method: clinical testing. Allele origin: germline.
Comment: The p.V273A variant (also known as c.818T>C), located in coding exon 8 of the RAD51 gene, results from a T to C substitution at nucleotide position 818. The valine at codon 273 is replaced by alanine, an amino acid with similar properties. This amino acid position is conserved. In addition, the in silico prediction for this alteration is inconclusive. Since supporting evidence is limited at this time, the clinical significance of this alteration remains unclear.